The following is an entry in ClinVar:

ClinVar aggregate classification (germline): Uncertain significance (1 of 4 stars; one submission).

Conditions:
Inborn genetic diseases. Identifiers: MedGen C0950123, MeSH D030342.

Allele frequency attached by ClinVar (database versions not stated): gnomAD exomes below 0.00001; gnomAD 0.00001; ExAC 0.00002; TOPMed 0.00002; ESP Exome Variant Server 0.00008.
gnomAD v4.1: 7 of 1,594,214 alleles (0.00044%); highest among the groups gnomAD compares: Admixed American, 0.0017%; no homozygotes.

Submission:

Ambry Genetics
Classification: Uncertain significance for Inborn genetic diseases. Last evaluated: 2020-11-13. Review status: criteria provided, single submitter. Criteria: Ambry Variant Classification Scheme 2023. Collection method: clinical testing. Allele origin: germline.
Comment: The c.468+6T>C intronic variant results from a T to C substitution 6 nucleotides after coding exon 5 in the MTMR2 gene. This nucleotide position is well conserved in available vertebrate species. In silico splice site analysis predicts that this alteration will not have any significant effect on splicing. Since supporting evidence is limited at this time, the clinical significance of this alteration remains unclear.

NM_016156.6(MTMR2):c.468+6T>C

Gene: MTMR2 (myotubularin related protein 2; minus strand). Cytogenetic location: 11q21.
Variant type: single nucleotide variant.
Coding change: c.468+6T>C on transcript NM_016156.6 (MANE Select); 6 bases into the intron after coding-DNA position 468, T replaced by C.
Molecular consequence: intron variant.
Genome position (GRCh38, 1-based): chr11:95,861,986, A>G on the plus strand (T>C on the coding strand, the complement: MTMR2 is on the minus strand). VCF-style: chr11-95861986-A-G. GRCh37 (hg19) VCF-style: chr11-95595150-A-G.
Other names: c.252+6T>C (NM_201281.3, NM_201278.3, NM_001243571.2).
Identifiers: ClinVar variation 1742393 (VCV001742393.2), dbSNP rs369934307, ClinGen allele CA6240328.
Genomic context (GRCh38, chr11:95,861,986, plus strand): 5'-CAGAGGTTCTATTTAATACAAAGCTTTTCAAACCAAAGAAAATCACATACATATTATAAC[A>G]TTTACCTTACACACAGTTTCTAGTCCATAAGAATTTTCACCTCGACTAGAAGCACCACCA-3'